The following is an entry in ClinVar:

ClinVar aggregate classification (germline): Uncertain significance (1 of 4 stars; one submission).

Conditions:
KBG syndrome (KBGS). Also called: ANKRD11-Related KBG Syndrome. Identifiers: Orphanet 2332, MedGen C0220687, MONDO:0007846, OMIM 148050.

Allele frequency attached by ClinVar (database versions not stated): TOPMed below 0.00001.

Submission:

Labcorp Genetics (formerly Invitae), Labcorp
Classification: Uncertain significance for KBG syndrome. Last evaluated: 2024-04-08. Review status: criteria provided, single submitter. Criteria: Invitae Variant Classification Sherloc (09022015). Collection method: clinical testing. Allele origin: germline.
Comment: This sequence change replaces aspartic acid, which is acidic and polar, with histidine, which is basic and polar, at codon 2236 of the ANKRD11 protein (p.Asp2236His). This variant is present in population databases (no rsID available, gnomAD 0.004%). This variant has not been reported in the literature in individuals affected with ANKRD11-related conditions. Advanced modeling of protein sequence and biophysical properties (such as structural, functional, and spatial information, amino acid conservation, physicochemical variation, residue mobility, and thermodynamic stability) performed at Invitae indicates that this missense variant is not expected to disrupt ANKRD11 protein function with a negative predictive value of 95%. In summary, the available evidence is currently insufficient to determine the role of this variant in disease. Therefore, it has been classified as a Variant of Uncertain Significance.

NM_013275.6(ANKRD11):c.6706G>C (p.Asp2236His)

Gene: ANKRD11 (ankyrin repeat domain 11; minus strand). Cytogenetic location: 16q24.3.
Variant type: single nucleotide variant.
Coding change: c.6706G>C on transcript NM_013275.6 (MANE Select); coding-DNA position 6706, G replaced by C.
Protein change: p.Asp2236His; replaces aspartic acid 2236 with histidine.
Molecular consequence: missense variant.
Genome position (GRCh38, 1-based): chr16:89,279,836, C>G on the plus strand (G>C on the coding strand, the complement: ANKRD11 is on the minus strand). VCF-style: chr16-89279836-C-G. GRCh37 (hg19) VCF-style: chr16-89346244-C-G.
Other names: c.6706G>C, p.Asp2236His (NM_001256182.2, NM_001256183.2); short protein forms D2236H.
Identifiers: ClinVar variation 2806689 (VCV002806689.3), dbSNP rs1466474974, ClinGen allele CA397150179.